The following is an entry in ClinVar:

ClinVar aggregate classification (germline): Uncertain significance (1 of 4 stars; one submission).

Conditions:
Autosomal recessive limb-girdle muscular dystrophy type 2F (LGMDR6). Also called: MUSCULAR DYSTROPHY, LIMB-GIRDLE, AUTOSOMAL RECESSIVE 6; Muscular dystrophy limb-girdle with delta-sarcoglyan deficiency. Identifiers: Orphanet 219, MedGen C1832525, MONDO:0011028, OMIM 601287. Disease mechanism: Affects gamma-sarcoglycan and also disrupts the integrity of the entire sarcoglycan complex..

Submission:

Labcorp Genetics (formerly Invitae), Labcorp
Classification: Uncertain significance for Autosomal recessive limb-girdle muscular dystrophy type 2F. Last evaluated: 2021-04-19. Review status: criteria provided, single submitter. Criteria: Invitae Variant Classification Sherloc (09022015). Collection method: clinical testing. Allele origin: germline.
Comment: Algorithms developed to predict the effect of missense changes on protein structure and function are either unavailable or do not agree on the potential impact of this missense change (SIFT: "Tolerated"; PolyPhen-2: "Probably Damaging"; Align-GVGD: "Class C0"). In summary, the available evidence is currently insufficient to determine the role of this variant in disease. Therefore, it has been classified as a Variant of Uncertain Significance. Algorithms developed to predict the effect of sequence changes on RNA splicing suggest that this variant may create or strengthen a splice site, but this prediction has not been confirmed by published transcriptional studies. This variant has not been reported in the literature in individuals with SGCD-related conditions. This variant is not present in population databases (ExAC no frequency). This sequence change replaces glycine with valine at codon 99 of the SGCD protein (p.Gly99Val). The glycine residue is moderately conserved and there is a moderate physicochemical difference between glycine and valine.

NM_000337.6(SGCD):c.296G>T (p.Gly99Val)

Gene: SGCD (sarcoglycan delta; plus strand). Cytogenetic location: 5q33.3.
Variant type: single nucleotide variant.
Coding change: c.296G>T on transcript NM_000337.6 (MANE Select); coding-DNA position 296, G replaced by T.
Protein change: p.Gly99Val; replaces glycine 99 with valine.
Molecular consequence: missense variant.
Genome position (GRCh38, 1-based): chr5:156,589,232, G>T. VCF-style: chr5-156589232-G-T. GRCh37 (hg19) VCF-style: chr5-156016242-G-T.
Other names: c.293G>T, p.Gly98Val (NM_001128209.2); c.296G>T, p.Gly99Val (NM_172244.3); short protein forms G98V, G99V.
Identifiers: ClinVar variation 1484061 (VCV001484061.8), dbSNP rs955284985, ClinGen allele CA362008456.